The following is an entry in ClinVar:

NM_001177693.2(ARHGEF28):c.2490T>C (p.Ser830=)

Gene: ARHGEF28 (Rho guanine nucleotide exchange factor 28; plus strand). Cytogenetic location: 5q13.2.
Variant type: single nucleotide variant.
Coding change: c.2490T>C on transcript NM_001177693.2 (MANE Select); coding-DNA position 2490, T replaced by C.
Protein change: p.Ser830=; no amino-acid change (serine 830 retained).
Molecular consequence: synonymous variant.
Genome position (GRCh38, 1-based): chr5:73,870,133, T>C. VCF-style: chr5-73870133-T-C. GRCh37 (hg19) VCF-style: chr5-73165958-T-C.
Other names: c.2490T>C, p.Ser830= (NM_001080479.3, NM_001388078.1); c.1551T>C, p.Ser517= (NM_001244364.2); c.2196T>C, p.Ser732= (NM_001388076.1).
Identifiers: ClinVar variation 3045066 (VCV003045066.2), dbSNP rs573859239, ClinGen allele CA3304875.

ClinVar aggregate classification (germline): Likely benign (0 of 4 stars; one submission).

Conditions:
ARHGEF28-related disorder. Also called: ARHGEF28-related condition.

Allele frequency attached by ClinVar (database versions not stated): gnomAD exomes below 0.00001; TOPMed below 0.00001; gnomAD 0.00001; ExAC 0.00002; 1000 Genomes Project 0.00040; 1000 Genomes Project 30x 0.00047.
gnomAD v4.1: 7 of 1,613,970 alleles (0.00043%); highest among the groups gnomAD compares: Admixed American, 0.0033%; 1 homozygote.

Submission:

PreventionGenetics, part of Exact Sciences
Classification: Likely benign for ARHGEF28-related condition. Last evaluated: 2023-07-11. Review status: no assertion criteria provided. Collection method: clinical testing. Allele origin: germline.
Comment: This variant is classified as likely benign based on ACMG/AMP sequence variant interpretation guidelines (Richards et al. 2015 PMID: 25741868, with internal and published modifications).